The following is an entry in ClinVar:

ClinVar aggregate classification (germline): Uncertain significance (1 of 4 stars; one submission).

Conditions:
Leigh syndrome (NULS). Also called: Leigh's necrotizing encephalopathy; Leigh's disease; Leigh's syndrome; LEIGH SYNDROME, NUCLEAR; Leigh Syndrome (mtDNA deletion); Leigh Disease. Identifiers: Orphanet 506, MedGen C2931891, MONDO:0009723, OMIM 256000.

Submission:

Wong Mito Lab, Molecular and Human Genetics, Baylor College of Medicine
Classification: Uncertain significance for Leigh syndrome. Last evaluated: 2019-10-17. Review status: criteria provided, single submitter. Criteria: Modified ACMG Guidelines (Unpublished). Collection method: clinical testing. Allele origin: germline.
Comment: The NC_012920.1:m.14199T>C (YP_003024037.1:p.Thr159Ala) variant in MTND6 gene is interpretated to be a Uncertain Significance variant based on the modified ACMG guidelines (unpublished). This variant meets the following evidence codes: BP4

NC_012920.1(MT-ND6):m.14199T>C

Gene: MT-ND6 (mitochondrially encoded NADH dehydrogenase 6; minus strand).
Variant type: single nucleotide variant.
Genome position: chrM-14199-T-C.
Identifiers: ClinVar variation 693689 (VCV000693689.1), dbSNP rs2857288, ClinGen allele CA414821351.